The following is an entry in ClinVar:

ClinVar aggregate classification (germline): Pathogenic/Likely pathogenic. Review status: criteria provided, multiple submitters, no conflicts (2 of 4 stars). 3 submissions from 3 submitters: Pathogenic (2); Likely pathogenic (1). Last evaluated 2023-11-06.

Conditions:
Mucolipidosis type II. Also called: ML II ALPHA/BETA; Mucolipidosis 2; ML 2; Inclusion cell disease; Leroy Disease; N-acetylglucosamine 1phosphotransferase deficiency. Identifiers: Orphanet 576, MedGen C2673377, MONDO:0009650, OMIM 252500.
Pseudo-Hurler polydystrophy. Also called: ML III; ML III ALPHA/BETA; Mucolipidosis III Alpha/Beta; Type III Mucolipidosis; ML IIIA; MUCOLIPIDOSIS IIIA. Identifiers: Orphanet 423461, Orphanet 577, MedGen C0033788, MONDO:0018931, OMIM 252600.

gnomAD v4.1: 1 of 1,614,034 alleles (0.000062%); highest among the groups gnomAD compares: South Asian, 0.0011%; no homozygotes.

Submissions (3):

Labcorp Genetics (formerly Invitae), Labcorp
Classification: Pathogenic for Pseudo-Hurler polydystrophy; Mucolipidosis type II. Last evaluated: 2023-11-06. Review status: criteria provided, single submitter. Criteria: Invitae Variant Classification Sherloc (09022015). Collection method: clinical testing. Allele origin: germline.
Comment: This sequence change affects a donor splice site in intron 11 of the GNPTAB gene. It is expected to disrupt RNA splicing. Variants that disrupt the donor or acceptor splice site typically lead to a loss of protein function (PMID: 16199547), and loss-of-function variants in GNPTAB are known to be pathogenic (PMID: 19617216, 25107912). This variant is not present in population databases (gnomAD no frequency). Disruption of this splice site has been observed in individuals with GNPTAB-related conditions (PMID: 32651481). ClinVar contains an entry for this variant (Variation ID: 397559). Algorithms developed to predict the effect of sequence changes on RNA splicing suggest that this variant may disrupt the consensus splice site. For these reasons, this variant has been classified as Pathogenic.

Foundation for Research in Genetics and Endocrinology, FRIGE's Institute of Human Genetics
Classification: Pathogenic for Mucolipidosis type II. Last evaluated: 2021-04-20. Review status: criteria provided, single submitter. Criteria: ACMG Guidelines, 2015. Collection method: clinical testing. Allele origin: germline. Inheritance: Autosomal recessive inheritance. Affected: yes. Observed: 1 variant allele, 1 homozygote.
Comment: A homozygous 3â€™ splice site variation in intron 11 of the GNPTAB gene that affects the invariant AG acceptor splice site upstream of exon 12 was detected. The observed variant c.1408+1G>T has not been reported in the 1000 genomes and gnomAD databases. The in silico prediction of the variant is damaging by MutationTaster, DANN and FATHMM. In summary, the variant meets our criteria to be classified as pathogenic.

Diagnostics Division, CENTRE FOR DNA FINGERPRINTING AND DIAGNOSTICS
Classification: Likely pathogenic for Mucolipidosis type II; Pseudo-Hurler polydystrophy. Last evaluated: 2016-01-01. Review status: criteria provided, single submitter. Criteria: ACMG Guidelines, 2015. Collection method: research. Allele origin: unknown. Affected: yes. Observed: 1 compound heterozygote.
Comment: Splicing variant

Literature cited by the submitters: PubMed 16199547 (cited by Labcorp Genetics (formerly Invitae), Labcorp); PubMed 19617216 (cited by Labcorp Genetics (formerly Invitae), Labcorp); PubMed 25107912 (cited by Labcorp Genetics (formerly Invitae), Labcorp); PubMed 32651481 (cited by Labcorp Genetics (formerly Invitae), Labcorp).

NM_024312.5(GNPTAB):c.1408+1G>T

Gene: GNPTAB (N-acetylglucosamine-1-phosphate transferase subunits alpha and beta; minus strand). Cytogenetic location: 12q23.2.
Variant type: single nucleotide variant.
Coding change: c.1408+1G>T on transcript NM_024312.5 (MANE Select); the canonical splice donor site of the intron after coding-DNA position 1408, G replaced by T.
Molecular consequence: splice donor variant.
Genome position (GRCh38, 1-based): chr12:101,768,036, C>A on the plus strand (G>T on the coding strand, the complement: GNPTAB is on the minus strand). VCF-style: chr12-101768036-C-A. GRCh37 (hg19) VCF-style: chr12-102161814-C-A.
Identifiers: ClinVar variation 397559 (VCV000397559.8), dbSNP rs1060499680, ClinGen allele CA16609432.
Genomic context (GRCh38, chr12:101,768,036, plus strand): 5'-TAATGATTAAGAAGAAAATATTCCATAAAAATGAACGAATTACAGTTTAACACATCCTTA[C>A]CAGAGCAATCCCCACCATCCCAATCGCAGGCTGAATTATTACAAGCCTTGTCACAATAGC-3'